The following is an entry in ClinVar:

NM_014714.4(IFT140):c.3454T>C (p.Tyr1152His)

Gene: IFT140 (intraflagellar transport 140; minus strand). Cytogenetic location: 16p13.3.
Variant type: single nucleotide variant.
Coding change: c.3454T>C on transcript NM_014714.4 (MANE Select); coding-DNA position 3454, T replaced by C.
Protein change: p.Tyr1152His; replaces tyrosine 1152 with histidine.
Molecular consequence: missense variant.
Genome position (GRCh38, 1-based): chr16:1,520,808, A>G on the plus strand (T>C on the coding strand, the complement: IFT140 is on the minus strand). VCF-style: chr16-1520808-A-G. GRCh37 (hg19) VCF-style: chr16-1570809-A-G.
Other names: short protein forms Y1152H.
Identifiers: ClinVar variation 2005910 (VCV002005910.4), dbSNP rs776845382, ClinGen allele CA7813141.

ClinVar aggregate classification (germline): Uncertain significance (1 of 4 stars; one submission).

Conditions:
Saldino-Mainzer syndrome (SRTD9). Also called: CONORENAL SYNDROME; Renal dysplasia, retinal pigmentary dystrophy, cerebellar ataxia and skeletal dysplasia; SHORT-RIB THORACIC DYSPLASIA 9 WITHOUT POLYDACTYLY; short-rib thoracic dysplasia 9 with or without polydactyly. Identifiers: Orphanet 140969, MedGen C1849437, MONDO:0009964, OMIM 266920.

Allele frequency attached by ClinVar (database versions not stated): gnomAD exomes below 0.00001; ExAC 0.00001.
gnomAD v4.1: 3 of 1,601,734 alleles (0.00019%); highest among the groups gnomAD compares: Non-Finnish European, 0.00017%; no homozygotes.

Submission:

Labcorp Genetics (formerly Invitae), Labcorp
Classification: Uncertain significance for Saldino-Mainzer syndrome. Last evaluated: 2022-06-13. Review status: criteria provided, single submitter. Criteria: Invitae Variant Classification Sherloc (09022015). Collection method: clinical testing. Allele origin: germline.
Comment: In summary, the available evidence is currently insufficient to determine the role of this variant in disease. Therefore, it has been classified as a Variant of Uncertain Significance. Algorithms developed to predict the effect of missense changes on protein structure and function (SIFT, PolyPhen-2, Align-GVGD) all suggest that this variant is likely to be tolerated. This variant has not been reported in the literature in individuals affected with IFT140-related conditions. This variant is present in population databases (rs776845382, gnomAD 0.0009%). This sequence change replaces tyrosine, which is neutral and polar, with histidine, which is basic and polar, at codon 1152 of the IFT140 protein (p.Tyr1152His).